The following is an entry in ClinVar:

NM_001793.6(CDH3):c.46-2A>G

Genes: CDH3 (cadherin 3; plus strand), CDH3-AS1 (CDH3 antisense RNA 1; minus strand). Cytogenetic location: 16q22.1.
Variant type: single nucleotide variant.
Coding change: c.46-2A>G on transcript NM_001793.6 (MANE Select); the canonical splice acceptor site of the intron before coding-DNA position 46, A replaced by G.
Molecular consequence: splice acceptor variant. On other transcripts: intron variant (1).
Genome position (GRCh38, 1-based): chr16:68,645,634, A>G. VCF-style: chr16-68645634-A-G. GRCh37 (hg19) VCF-style: chr16-68679537-A-G.
Other names: c.-6+210A>G (NM_001317196.2); c.46-2A>G (NM_001317195.3).
Identifiers: ClinVar variation 1066245 (VCV001066245.7), dbSNP rs2152087451, ClinGen allele CA396455147.

ClinVar aggregate classification (germline): Likely pathogenic (1 of 4 stars; one submission).

Submission:

Labcorp Genetics (formerly Invitae), Labcorp
Classification: Likely pathogenic. Last evaluated: 2024-09-03. Review status: criteria provided, single submitter. Criteria: Invitae Variant Classification Sherloc (09022015). Collection method: clinical testing. Allele origin: germline.
Comment: This sequence change affects an acceptor splice site in intron 1 of the CDH3 gene. It is expected to disrupt RNA splicing. Variants that disrupt the donor or acceptor splice site typically lead to a loss of protein function (PMID: 16199547), and loss-of-function variants in CDH3 are known to be pathogenic (PMID: 15805154, 27386845, 29620724). This variant is not present in population databases (gnomAD no frequency). This variant has not been reported in the literature in individuals affected with CDH3-related conditions. ClinVar contains an entry for this variant (Variation ID: 1066245). Algorithms developed to predict the effect of sequence changes on RNA splicing suggest that this variant may disrupt the consensus splice site. In summary, the currently available evidence indicates that the variant is pathogenic, but additional data are needed to prove that conclusively. Therefore, this variant has been classified as Likely Pathogenic.

Literature cited by the submitters: PubMed 16199547; PubMed 15805154; PubMed 27386845; PubMed 29620724.